The following is an entry in ClinVar:

ClinVar aggregate classification (germline): Likely benign. Review status: criteria provided, multiple submitters, no conflicts (2 of 4 stars). 3 submissions from 3 submitters: Likely benign (2). 1 of the submissions does not count toward it. Last evaluated 2026-01-02.

Conditions:
MRTFA-related disorder. Also called: MRTFA-related condition.

Allele frequency attached by ClinVar (database versions not stated): ExAC 0.00006; gnomAD 0.00006 and 0.00007; ESP Exome Variant Server 0.00008; gnomAD exomes 0.00008 and 0.00014; TOPMed 0.00009.
gnomAD v4.1: 216 of 1,610,878 alleles (0.013%); highest among the groups gnomAD compares: Middle Eastern, 0.016%; no homozygotes.

Submissions (3):

Labcorp Genetics (formerly Invitae), Labcorp
Classification: Likely benign. Last evaluated: 2026-01-02. Review status: criteria provided, single submitter. Criteria: Invitae Variant Classification Sherloc (09022015). Collection method: clinical testing. Allele origin: germline.

Blueprint Genetics
Classification: Likely benign. Last evaluated: 2024-11-26. Review status: criteria provided, single submitter. Criteria: ACMG Guidelines, 2015. Collection method: clinical testing. Allele origin: germline.

PreventionGenetics, part of Exact Sciences
Classification: Likely benign for MRTFA-related condition. Last evaluated: 2019-12-23. Review status: no assertion criteria provided. Collection method: clinical testing. Allele origin: germline. Not counted in ClinVar's aggregate classification.
Comment: This variant is classified as likely benign based on ACMG/AMP sequence variant interpretation guidelines (Richards et al. 2015 PMID: 25741868, with internal and published modifications).

NM_020831.6(MRTFA):c.1914G>A (p.Thr638=)

Gene: MRTFA (myocardin related transcription factor A; minus strand). Cytogenetic location: 22q13.1.
Variant type: single nucleotide variant.
Coding change: c.1914G>A on transcript NM_020831.6 (MANE Select); coding-DNA position 1914, G replaced by A.
Protein change: p.Thr638=; no amino-acid change (threonine 638 retained).
Molecular consequence: synonymous variant.
Genome position (GRCh38, 1-based): chr22:40,418,824, C>T on the plus strand (G>A on the coding strand, the complement: MRTFA is on the minus strand). VCF-style: chr22-40418824-C-T. GRCh37 (hg19) VCF-style: chr22-40814828-C-T.
Other names: c.1614G>A, p.Thr538= (NM_001282660.2); c.1764G>A, p.Thr588= (NM_001282661.3); c.1914G>A, p.Thr638= (NM_001282662.3); c.1719G>A, p.Thr573= (NM_001318139.2); c.1614G>A (NM_020831.4).
Identifiers: ClinVar variation 1150096 (VCV001150096.12), dbSNP rs373988834, ClinGen allele CA10249500.